The following is an entry in ClinVar:

ClinVar aggregate classification (germline): Conflicting classifications of pathogenicity. Review status: criteria provided, conflicting classifications (1 of 4 stars). 3 submissions from 3 submitters: Uncertain significance (2); Likely benign (1). Last evaluated 2026-02-03.

Conditions:
OTOF-related disorder. Also called: OTOF-related condition.

Allele frequency attached by ClinVar (database versions not stated): gnomAD 0.00001 and 0.00003; gnomAD exomes 0.00001 and 0.00009; TOPMed 0.00003; ExAC 0.00007; 1000 Genomes Project 30x 0.00016; 1000 Genomes Project 0.00020.
gnomAD v4.1: 32 of 1,614,214 alleles (0.002%); highest among the groups gnomAD compares: East Asian, 0.049%; no homozygotes.

Submissions (3):

Labcorp Genetics (formerly Invitae), Labcorp
Classification: Likely benign. Last evaluated: 2026-02-03. Review status: criteria provided, single submitter. Criteria: Invitae Variant Classification Sherloc (09022015). Collection method: clinical testing. Allele origin: germline.

PreventionGenetics, part of Exact Sciences
Classification: Uncertain significance for OTOF-related condition. Last evaluated: 2023-06-29. Review status: criteria provided, single submitter. Criteria: ACMG Guidelines, 2015. Collection method: clinical testing. Allele origin: germline.
Comment: The OTOF c.4474G>A variant is predicted to result in the amino acid substitution p.Val1492Met. To our knowledge, this variant has not been reported in the literature. This variant is reported in 0.12% of alleles in individuals of East Asian descent in gnomAD. Although we suspect that this variant may be benign, at this time, the clinical significance of this variant is uncertain due to the absence of conclusive functional and genetic evidence.

GeneDx
Classification: Uncertain significance. Last evaluated: 2023-05-24. Review status: criteria provided, single submitter. Criteria: GeneDx Variant Classification Process June 2021. Collection method: clinical testing. Allele origin: germline. Affected: yes.
Comment: In silico analysis supports that this missense variant has a deleterious effect on protein structure/function; Has not been previously published as pathogenic or benign to our knowledge

NM_194248.3(OTOF):c.4474G>A (p.Val1492Met)

Gene: OTOF (otoferlin; minus strand). Cytogenetic location: 2p23.3.
Variant type: single nucleotide variant.
Coding change: c.4474G>A on transcript NM_194248.3 (MANE Select); coding-DNA position 4474, G replaced by A.
Protein change: p.Val1492Met; replaces valine 1492 with methionine.
Molecular consequence: missense variant.
Genome position (GRCh38, 1-based): chr2:26,466,740, C>T on the plus strand (G>A on the coding strand, the complement: OTOF is on the minus strand). VCF-style: chr2-26466740-C-T. GRCh37 (hg19) VCF-style: chr2-26689608-C-T.
Other names: c.4474G>A (NM_194248.2); c.4474G>A, p.Val1492Met (NM_001287489.2); c.2173G>A, p.Val725Met (NM_004802.4, NM_194323.3); c.2404G>A, p.Val802Met (NM_194322.3); short protein forms V802M, V1492M, V725M.
Identifiers: ClinVar variation 1351944 (VCV001351944.7), dbSNP rs368297003, ClinGen allele CA1563159.